The following is an entry in ClinVar:

ClinVar aggregate classification (germline): Conflicting classifications of pathogenicity. Review status: criteria provided, conflicting classifications (1 of 4 stars). 6 submissions from 6 submitters: Uncertain significance (1); Likely benign (4). 1 of the submissions does not count toward it. Last evaluated 2025-11-07.

Conditions:
CDKN1C-related disorder. Also called: CDKN1C-related condition.
Beckwith-Wiedemann syndrome (BWS). Also called: Exomphalos macroglossia gigantism syndrome; EMG SYNDROME. Identifiers: Orphanet 116, MedGen C0004903, MONDO:0007534, OMIM 130650.

Allele frequency attached by ClinVar (database versions not stated): gnomAD 0.00004.

Submissions (6):

Labcorp Genetics (formerly Invitae), Labcorp
Classification: Likely benign for Beckwith-Wiedemann syndrome. Last evaluated: 2025-11-07. Review status: criteria provided, single submitter. Criteria: Invitae Variant Classification Sherloc (09022015). Collection method: clinical testing. Allele origin: germline.

CeGaT Center for Human Genetics Tuebingen
Classification: Likely benign. Last evaluated: 2025-09-01. Review status: criteria provided, single submitter. Criteria: CeGaT Center For Human Genetics Tuebingen Variant Classification Criteria Version 2. Collection method: clinical testing. Allele origin: germline. Affected: yes. Observed: 2 variant alleles.
Comment: CDKN1C: BP4, BP7

Blueprint Genetics
Classification: Likely benign. Last evaluated: 2023-12-01. Review status: criteria provided, single submitter. Criteria: ACMG Guidelines, 2015. Collection method: clinical testing. Allele origin: germline.

Sema4
Classification: Likely benign for Beckwith-Wiedemann syndrome. Last evaluated: 2021-05-03. Review status: criteria provided, single submitter. Criteria: Sema4 Curation Guidelines. Collection method: curation. Allele origin: germline.

Eurofins Ntd Llc (ga)
Classification: Uncertain significance. Last evaluated: 2014-10-20. Review status: criteria provided, single submitter. Criteria: EGL Classification Definitions 2015. Collection method: clinical testing. Allele origin: germline. Observed: 1 variant allele, 1 heterozygote.

PreventionGenetics, part of Exact Sciences
Classification: Likely benign for CDKN1C-related condition. Last evaluated: 2020-07-28. Review status: no assertion criteria provided. Collection method: clinical testing. Allele origin: germline. Not counted in ClinVar's aggregate classification.
Comment: This variant is classified as likely benign based on ACMG/AMP sequence variant interpretation guidelines (Richards et al. 2015 PMID: 25741868, with internal and published modifications).

NM_001122630.2(CDKN1C):c.579G>A (p.Pro193=)

Gene: CDKN1C (cyclin dependent kinase inhibitor 1C; minus strand). Cytogenetic location: 11p15.4.
Variant type: single nucleotide variant.
Coding change: c.579G>A on transcript NM_001122630.2 (MANE Select); coding-DNA position 579, G replaced by A.
Protein change: p.Pro193=; no amino-acid change (proline 193 retained).
Molecular consequence: synonymous variant. On other transcripts: intron variant (1).
Genome position (GRCh38, 1-based): chr11:2,884,878, C>T on the plus strand (G>A on the coding strand, the complement: CDKN1C is on the minus strand). VCF-style: chr11-2884878-C-T. GRCh37 (hg19) VCF-style: chr11-2906108-C-T.
Other names: c.612G>A, p.Pro204= (LRG_533t1, NM_000076.2, NM_001362474.2); c.579G>A, p.Pro193= (NM_001122631.2); c.255+324G>A (NM_001362475.2).
Identifiers: ClinVar variation 193040 (VCV000193040.42), dbSNP rs794726872, ClinGen allele CA238549.